The following is an entry in ClinVar:

NM_001621.5(AHR):c.2351G>A (p.Gly784Asp)

Gene: AHR (aryl hydrocarbon receptor; plus strand). Cytogenetic location: 7p21.1.
Variant type: single nucleotide variant.
Coding change: c.2351G>A on transcript NM_001621.5 (MANE Select); coding-DNA position 2351, G replaced by A.
Protein change: p.Gly784Asp; replaces glycine 784 with aspartic acid.
Molecular consequence: missense variant.
Genome position (GRCh38, 1-based): chr7:17,340,176, G>A. VCF-style: chr7-17340176-G-A. GRCh37 (hg19) VCF-style: chr7-17379800-G-A.
Other names: short protein forms G784D.
Identifiers: ClinVar variation 2126978 (VCV002126978.4), dbSNP rs2534452322, ClinGen allele CA366896934.

ClinVar aggregate classification (germline): Uncertain significance (1 of 4 stars; one submission).

Submission:

Labcorp Genetics (formerly Invitae), Labcorp
Classification: Uncertain significance. Last evaluated: 2022-04-16. Review status: criteria provided, single submitter. Criteria: Invitae Variant Classification Sherloc (09022015). Collection method: clinical testing. Allele origin: germline.
Comment: This sequence change replaces glycine, which is neutral and non-polar, with aspartic acid, which is acidic and polar, at codon 784 of the AHR protein (p.Gly784Asp). This variant is not present in population databases (gnomAD no frequency). This variant has not been reported in the literature in individuals affected with AHR-related conditions. Algorithms developed to predict the effect of missense changes on protein structure and function output the following: SIFT: "Tolerated"; PolyPhen-2: "Benign"; Align-GVGD: "Class C0". The aspartic acid amino acid residue is found in multiple mammalian species, which suggests that this missense change does not adversely affect protein function. In summary, the available evidence is currently insufficient to determine the role of this variant in disease. Therefore, it has been classified as a Variant of Uncertain Significance.